The following is an entry in ClinVar:

ClinVar aggregate classification (germline): Uncertain significance. Review status: criteria provided, multiple submitters, no conflicts (2 of 4 stars). 3 submissions from 3 submitters: Uncertain significance (2). 1 of the submissions does not count toward it. Last evaluated 2024-09-12.

Allele frequency attached by ClinVar (database versions not stated): gnomAD 0.00003; TOPMed 0.00003; gnomAD exomes 0.00004.
gnomAD v4.1: 67 of 1,614,022 alleles (0.0042%); highest among the groups gnomAD compares: Non-Finnish European, 0.0055%; no homozygotes.

Submissions (3):

Blueprint Genetics
Classification: Uncertain significance. Last evaluated: 2024-09-12. Review status: criteria provided, single submitter. Criteria: ACMG Guidelines, 2015. Collection method: clinical testing. Allele origin: germline.

Labcorp Genetics (formerly Invitae), Labcorp
Classification: Uncertain significance. Last evaluated: 2022-08-22. Review status: criteria provided, single submitter. Criteria: Invitae Variant Classification Sherloc (09022015). Collection method: clinical testing. Allele origin: germline.
Comment: This sequence change replaces glutamic acid, which is acidic and polar, with lysine, which is basic and polar, at codon 222 of the GRM6 protein (p.Glu222Lys). This variant is present in population databases (rs62638204, gnomAD 0.007%). This variant has not been reported in the literature in individuals affected with GRM6-related conditions. ClinVar contains an entry for this variant (Variation ID: 99654). Advanced modeling of protein sequence and biophysical properties (such as structural, functional, and spatial information, amino acid conservation, physicochemical variation, residue mobility, and thermodynamic stability) performed at Invitae indicates that this missense variant is expected to disrupt GRM6 protein function. In summary, the available evidence is currently insufficient to determine the role of this variant in disease. Therefore, it has been classified as a Variant of Uncertain Significance.

Retina International
No classification provided. Review status: no classification provided. Collection method: not provided. Allele origin: not provided. Not counted in ClinVar's aggregate classification.

NM_000843.4(GRM6):c.664G>A (p.Glu222Lys)

Gene: GRM6 (glutamate metabotropic receptor 6; minus strand). Cytogenetic location: 5q35.3.
Variant type: single nucleotide variant.
Coding change: c.664G>A on transcript NM_000843.4 (MANE Select); coding-DNA position 664, G replaced by A.
Protein change: p.Glu222Lys; replaces glutamic acid 222 with lysine.
Molecular consequence: missense variant.
Genome position (GRCh38, 1-based): chr5:178,991,924, C>T on the plus strand (G>A on the coding strand, the complement: GRM6 is on the minus strand). VCF-style: chr5-178991924-C-T. GRCh37 (hg19) VCF-style: chr5-178418925-C-T.
Other names: short protein forms E222K.
Identifiers: ClinVar variation 99654 (VCV000099654.6), dbSNP rs62638204, ClinGen allele CA227688.